The following is an entry in ClinVar:

NM_004035.7(ACOX1):c.211del (p.Met70_Val71insTer)

Gene: ACOX1 (acyl-CoA oxidase 1; minus strand). Cytogenetic location: 17q25.1.
Variant type: Deletion.
Coding change: c.211del on transcript NM_004035.7 (MANE Select); coding-DNA position 211, one base deleted (G; older notation c.211delG).
Protein change: p.Met70_Val71insTer.
Molecular consequence: nonsense.
Genome position (GRCh38, 1-based): chr17:75,978,592, C deleted on the plus strand (G on the coding strand, the reverse complement: ACOX1 is on the minus strand); the first of 2 consecutive C bases (chr17:75,978,592-75,978,593); deleting either gives the same sequence. VCF-style (leftmost placement, unchanged base first): chr17-75978591-AC-A. GRCh37 (hg19) VCF-style: chr17-73974672-AC-A.
Other names: c.97del, p.Met32_Val33insTer (NM_001185039.2); c.211del, p.Met70_Val71insTer (NM_007292.6).
Identifiers: ClinVar variation 2762969 (VCV002762969.3), dbSNP rs2546097920, ClinGen allele CA2576394993.

ClinVar aggregate classification (germline): Pathogenic (1 of 4 stars; one submission).

Conditions:
Acyl-CoA oxidase deficiency. Also called: Peroxisomal acyl-CoA oxidase deficiency; STRAIGHT-CHAIN ACYL-CoA OXIDASE DEFICIENCY; Pseudoneonatal adrenoleukodystrophy. Identifiers: Orphanet 2971, MedGen C1849678, MONDO:0009919, OMIM 264470. Disease mechanism: loss of function.

Submission:

Labcorp Genetics (formerly Invitae), Labcorp
Classification: Pathogenic for Acyl-CoA oxidase deficiency. Last evaluated: 2023-09-23. Review status: criteria provided, single submitter. Criteria: Invitae Variant Classification Sherloc (09022015). Collection method: clinical testing. Allele origin: germline.
Comment: This variant has not been reported in the literature in individuals affected with ACOX1-related conditions. For these reasons, this variant has been classified as Pathogenic. This variant is not present in population databases (gnomAD no frequency). This sequence change creates a premature translational stop signal (p.Val71*) in the ACOX1 gene. It is expected to result in an absent or disrupted protein product. Loss-of-function variants in ACOX1 are known to be pathogenic (PMID: 8040306, 17458872).

Literature cited by the submitters: PubMed 8040306; PubMed 17458872.